The following is an entry in ClinVar:

NC_000016.9:g.(?_3705375)_(3716139_?)del

Genes: DNASE1 (deoxyribonuclease 1; plus strand), TRAP1 (TNF receptor associated protein 1; minus strand). Cytogenetic location: 16p13.3.
Variant type: Deletion.
Identifiers: ClinVar variation 1437420 (VCV001437420.5).

ClinVar aggregate classification (germline): Uncertain significance (1 of 4 stars; one submission).

Submission:

Labcorp Genetics (formerly Invitae), Labcorp
Classification: Uncertain significance. Last evaluated: 2023-11-15. Review status: criteria provided, single submitter. Criteria: Invitae Variant Classification Sherloc (09022015). Collection method: clinical testing. Allele origin: germline.
Comment: This variant is a gross deletion of the genomic region encompassing exon(s) 12-18 of the TRAP1 gene, which includes the termination codon. This deletion extends beyond the assayed region for this gene and therefore may encompass additional genes. While this deletion is not anticipated to lead to nonsense mediated decay, it is expected to alter mRNA translation or result in a truncated protein product. This variant has not been reported in the literature in individuals affected with TRAP1-related conditions. In summary, the available evidence is currently insufficient to determine the role of this variant in disease. Therefore, it has been classified as a Variant of Uncertain Significance.